The following is an entry in ClinVar:

NM_001130823.3(DNMT1):c.3813C>T (p.Cys1271=)

Gene: DNMT1 (DNA methyltransferase 1; minus strand). Cytogenetic location: 19p13.2.
Variant type: single nucleotide variant.
Coding change: c.3813C>T on transcript NM_001130823.3 (MANE Select); coding-DNA position 3813, C replaced by T.
Protein change: p.Cys1271=; no amino-acid change (cysteine 1271 retained).
Molecular consequence: synonymous variant.
Genome position (GRCh38, 1-based): chr19:10,139,811, G>A on the plus strand (C>T on the coding strand, the complement: DNMT1 is on the minus strand). VCF-style: chr19-10139811-G-A. GRCh37 (hg19) VCF-style: chr19-10250487-G-A.
Other names: c.3765C>T, p.Cys1255= (NM_001318730.2, NM_001379.4); c.3450C>T, p.Cys1150= (NM_001318731.2); c.3813C>T (NM_001130823.2).
Identifiers: ClinVar variation 853829 (VCV000853829.15), dbSNP rs756845745, ClinGen allele CA9187660.
Genomic context (GRCh38, chr19:10,139,811, plus strand): 5'-CTTGAAGGAGACAAAGTTCCTGACATTCTCCAGGAGGAAGAACCGGGGCCGGTAGTAGTC[G>A]CAGTAGCTGTAGGGGGCAGGAGAGACTGCAGGAGTCACCTCCACAGACAGAGGGAAGAAA-3'
Protein context (NP_001124295.1, residues 1261-1281): NSLVVSFLSY[Cys1271=]DYYRPRFFLL

ClinVar aggregate classification (germline): Likely benign. Review status: criteria provided, multiple submitters, no conflicts (2 of 4 stars). 6 submissions from 6 submitters: Likely benign (4). 2 of the submissions do not count toward it. Last evaluated 2026-08-12.

Conditions:
DNMT1-related disorder. Also called: DNMT1-related condition. Identifiers: MedGen CN381527.
Hereditary sensory neuropathy-deafness-dementia syndrome. Also called: Hereditary Sensory and Autonomic Neuropathy Type 1E (HSAN1E); HSN IE; Hereditary sensory neuropathy type IE; NEUROPATHY, HEREDITARY SENSORY, WITH HEARING LOSS AND DEMENTIA. Identifiers: Orphanet 456318, MedGen C3279885, MONDO:0013584, OMIM 614116.

Allele frequency attached by ClinVar (database versions not stated): gnomAD 0.00004 and 0.00005; gnomAD exomes 0.00005 and 0.00012; TOPMed 0.00005; ExAC 0.00010.
gnomAD v4.1: 169 of 1,579,354 alleles (0.011%); highest among the groups gnomAD compares: Non-Finnish European, 0.014%; 1 homozygote.

Submissions (6):

PreventionGenetics, part of Exact Sciences
Classification: Likely benign for DNMT1-related condition. Last evaluated: 2026-08-12. Review status: criteria provided, single submitter. Criteria: ACMG Guidelines, 2015. Collection method: clinical testing. Allele origin: germline.
Comment: This variant is classified as likely benign based on ACMG/AMP sequence variant interpretation guidelines (Richards et al. 2015 PMID: 25741868, with internal and published modifications).

Labcorp Genetics (formerly Invitae), Labcorp
Classification: Likely benign for Hereditary sensory neuropathy-deafness-dementia syndrome. Last evaluated: 2025-08-30. Review status: criteria provided, single submitter. Criteria: Invitae Variant Classification Sherloc (09022015). Collection method: clinical testing. Allele origin: germline.

Laboratory of Genetics, Children's Clinical University Hospital Latvia
Classification: Likely benign. Last evaluated: 2025-02-16. Review status: criteria provided, single submitter. Criteria: ACMG Guidelines, 2015. Collection method: clinical testing. Allele origin: germline. Affected: yes.

Blueprint Genetics
Classification: Likely benign. Last evaluated: 2023-07-14. Review status: criteria provided, single submitter. Criteria: ACMG Guidelines, 2015. Collection method: clinical testing. Allele origin: germline.

Clinical Genetics DNA and cytogenetics Diagnostics Lab, Erasmus MC, Erasmus Medical Center
Classification: Likely benign. Review status: no assertion criteria provided. Collection method: clinical testing. Allele origin: germline. Affected: yes. Study: VKGL Data-share Consensus. Not counted in ClinVar's aggregate classification.

Clinical Genetics, Academic Medical Center
Classification: Likely benign. Review status: no assertion criteria provided. Collection method: clinical testing. Allele origin: germline. Affected: yes. Study: VKGL Data-share Consensus. Not counted in ClinVar's aggregate classification.